The following is an entry in ClinVar:

NM_000548.5(TSC2):c.655C>A (p.Leu219Met)

Gene: TSC2 (TSC complex subunit 2; plus strand). Cytogenetic location: 16p13.3.
Variant type: single nucleotide variant.
Coding change: c.655C>A on transcript NM_000548.5 (MANE Select); coding-DNA position 655, C replaced by A.
Protein change: p.Leu219Met; replaces leucine 219 with methionine.
Molecular consequence: missense variant. On other transcripts: 5 prime UTR variant (9), non-coding transcript variant (5), intron variant (3).
Genome position (GRCh38, 1-based): chr16:2,056,650, C>A. VCF-style: chr16-2056650-C-A. GRCh37 (hg19) VCF-style: chr16-2106651-C-A.
Other names: c.655C>A, p.Leu219Met (NM_001077183.3, NM_001114382.3, NM_001363528.2 and 6 more transcripts); c.544C>A, p.Leu182Met (NM_001318827.2, NM_001406670.1, NM_001406678.1); c.508C>A, p.Leu170Met (NM_001318829.2, NM_001406675.1, NM_001406676.1 and 1 more transcripts); c.55C>A, p.Leu19Met (NM_001318831.2, NM_001406680.1, NM_001406682.1 and 6 more transcripts); c.688C>A, p.Leu230Met (NM_001318832.2); c.745C>A, p.Leu249Met (NM_001406667.1, NM_001406668.1); c.598C>A, p.Leu200Met (NM_001406677.1); c.193C>A, p.Leu65Met (NM_001406681.1); and 5 more; short protein forms L182M, L219M, L65M, L170M, L19M, L230M, L200M, L249M.
Identifiers: ClinVar variation 3462678 (VCV003462678.1).

ClinVar aggregate classification (germline): Uncertain significance (1 of 4 stars; one submission).

Conditions:
Hereditary cancer-predisposing syndrome. Also called: Tumor predisposition; Neoplastic Syndromes, Hereditary; Hereditary neoplastic syndrome; Hereditary Cancer Syndrome. Identifiers: Orphanet 140162, MedGen C0027672, MeSH D009386, MONDO:0015356.

Submission:

Ambry Genetics
Classification: Uncertain significance for Hereditary cancer-predisposing syndrome. Last evaluated: 2024-11-15. Review status: criteria provided, single submitter. Criteria: Ambry Variant Classification Scheme 2023. Collection method: clinical testing. Allele origin: germline.
Comment: The p.L219M variant (also known as c.655C>A), located in coding exon 7 of the TSC2 gene, results from a C to A substitution at nucleotide position 655. The leucine at codon 219 is replaced by methionine, an amino acid with highly similar properties. This amino acid position is conserved. In addition, the in silico prediction for this alteration is inconclusive. Based on the available evidence, the clinical significance of this variant remains unclear.